The following is an entry in ClinVar:

ClinVar aggregate classification (germline): Pathogenic/Likely pathogenic. Review status: criteria provided, multiple submitters, no conflicts (2 of 4 stars). 5 submissions from 5 submitters: Pathogenic (4); Likely pathogenic (1). Last evaluated 2026-01-04.

Conditions:
NTHL1-related disorder. Also called: NTHL1-related condition; NTHL1-related conditions.
Hereditary cancer-predisposing syndrome. Also called: Tumor predisposition; Hereditary neoplastic syndrome; Hereditary Cancer Syndrome; Neoplastic Syndromes, Hereditary. Identifiers: Orphanet 140162, MedGen C0027672, MeSH D009386, MONDO:0015356.
Familial adenomatous polyposis 3. Also called: NTHL1-Related Adenomatous Polyposis and Colorectal Cancer; NTHL1-associated polyposis; NTHL1-related attenuated familial adenomatous polyposis; NTHL1 Tumor Syndrome. Identifiers: Orphanet 220460, Orphanet 454840, MedGen C4225157, MONDO:0014630, OMIM 616415.

Allele frequency attached by ClinVar (database versions not stated): gnomAD 0.00003; TOPMed 0.00002.
gnomAD v4.1: 23 of 1,611,614 alleles (0.0014%); highest among the groups gnomAD compares: Non-Finnish European, 0.0018%; no homozygotes.

Submissions (5):

Labcorp Genetics (formerly Invitae), Labcorp
Classification: Pathogenic. Last evaluated: 2026-01-04. Review status: criteria provided, single submitter. Criteria: Invitae Variant Classification Sherloc (09022015). Collection method: clinical testing. Allele origin: germline.
Comment: This sequence change creates a premature translational stop signal (p.Glu210*) in the NTHL1 gene. It is expected to result in an absent or disrupted protein product. Loss-of-function variants in NTHL1 are known to be pathogenic (PMID: 25938944, 26559593). This variant is present in population databases (no rsID available, gnomAD 0.002%). This variant has not been reported in the literature in individuals affected with NTHL1-related conditions. ClinVar contains an entry for this variant (Variation ID: 655543). For these reasons, this variant has been classified as Pathogenic.

PreventionGenetics, part of Exact Sciences
Classification: Pathogenic for NTHL1-related condition. Last evaluated: 2024-12-17. Review status: criteria provided, single submitter. Criteria: ACMG Guidelines, 2015. Collection method: clinical testing. Allele origin: germline.
Comment: The NTHL1 c.628G>T variant is predicted to result in premature protein termination (p.Glu210*). This variant has been reported in the heterozygous state in individuals with different cancer types, including non-Hodgkin lymphoma, melanoma, and glioblastoma (Supplementary Table 2, Kim et al. 2021. PubMed ID: 34308104; Salo-Mullen et al. 2021. PubMed ID: 34250384). This variant is reported in 0.00078% of alleles in individuals of European (non-Finnish) descent in gnomAD and is classified as pathogenic or likely pathogenic in ClinVar. Nonsense variants in NTHL1 are expected to be pathogenic. This variant is interpreted as pathogenic.

Ambry Genetics
Classification: Pathogenic for Hereditary cancer-predisposing syndrome. Last evaluated: 2024-08-12. Review status: criteria provided, single submitter. Criteria: Ambry Variant Classification Scheme 2023. Collection method: clinical testing. Allele origin: germline.
Comment: The c.628G>T (p.E210*) alteration, located in exon 4 (coding exon 4) of the NTHL1 gene, consists of a G to T substitution at nucleotide position 628. This changes the amino acid from a glutamic acid (E) to a stop codon at amino acid position 210. This alteration is expected to result in loss of function by premature protein truncation or nonsense-mediated mRNA decay. The NTHL1 c.628G>T alteration was flagged as a low confidence call in the Genome Aggregation Database (gnomAD). Based on the available evidence, this alteration is classified as pathogenic.

Myriad Genetics, Inc.
Classification: Pathogenic for Familial adenomatous polyposis 3. Last evaluated: 2023-09-05. Review status: criteria provided, single submitter. Criteria: Myriad Autosomal Dominant, Autosomal Recessive and X-Linked Classification Criteria (2023). Collection method: clinical testing. Allele origin: unknown.
Comment: This variant is considered pathogenic. This variant creates a termination codon and is predicted to result in premature protein truncation.

Baylor Genetics
Classification: Likely pathogenic for Familial adenomatous polyposis 3. Last evaluated: 2023-02-12. Review status: criteria provided, single submitter. Criteria: ACMG Guidelines, 2015. Collection method: clinical testing. Allele origin: unknown.

Literature cited by the submitters: PubMed 25938944 (cited by Labcorp Genetics (formerly Invitae), Labcorp); PubMed 26559593 (cited by Labcorp Genetics (formerly Invitae), Labcorp).

NM_002528.7(NTHL1):c.604G>T (p.Glu202Ter)

Gene: NTHL1 (nth like DNA glycosylase 1; minus strand). Cytogenetic location: 16p13.3.
Variant type: single nucleotide variant.
Coding change: c.604G>T on transcript NM_002528.7 (MANE Select); coding-DNA position 604, G replaced by T.
Protein change: p.Glu202Ter; replaces glutamic acid 202 with a stop codon.
Molecular consequence: nonsense.
Genome position (GRCh38, 1-based): chr16:2,043,648, C>A on the plus strand (G>T on the coding strand, the complement: NTHL1 is on the minus strand). VCF-style: chr16-2043648-C-A. GRCh37 (hg19) VCF-style: chr16-2093649-C-A.
Other names: c.604G>T, p.Glu202Ter (LRG_1366t1); c.433G>T, p.Glu145Ter (NM_001318193.2); c.274G>T, p.Glu92Ter (NM_001318194.2); short protein forms E145*, E202*, E92*.
Identifiers: ClinVar variation 655543 (VCV000655543.15), dbSNP rs919177150, ClinGen allele CA394291627.